The following is an entry in ClinVar:

NM_001379451.1(BCORL1):c.2821G>A (p.Gly941Ser)

Gene: BCORL1 (BCL6 corepressor like 1; plus strand). Cytogenetic location: Xq26.1.
Variant type: single nucleotide variant.
Coding change: c.2821G>A on transcript NM_001379451.1 (MANE Select); coding-DNA position 2821, G replaced by A.
Protein change: p.Gly941Ser; replaces glycine 941 with serine.
Molecular consequence: missense variant.
Genome position (GRCh38, 1-based): chrX:130,015,593, G>A. VCF-style: chrX-130015593-G-A. GRCh37 (hg19) VCF-style: chrX-129149569-G-A.
Other names: c.2821G>A, p.Gly941Ser (NM_001184772.3, NM_001379450.1, NM_021946.5); short protein forms G941S.
Identifiers: ClinVar variation 2662038 (VCV002662038.1), dbSNP rs757728917, ClinGen allele CA10514411.
Genomic context (GRCh38, chrX:130,015,593, plus strand): 5'-CCTGTCCTCTTGACCCTCAGCCCTCAGACTGGGACCCTGGCACTGTCTGTTCAGCCTAGC[G>A]GTGGGGACATTCGAATGAATCAGGGGCCTGAGGAATCAGAGAGCCACCTCTGCTCTGACA-3'
Protein context (NP_001366380.1, residues 931-951): GTLALSVQPS[Gly941Ser]GDIRMNQGPE

ClinVar aggregate classification (germline): Uncertain significance (1 of 4 stars; one submission).

Allele frequency attached by ClinVar (database versions not stated): ExAC 0.00001; gnomAD 0.00003; TOPMed 0.00004; 1000 Genomes Project 30x 0.00021; 1000 Genomes Project 0.00026.
gnomAD v4.1: 36 of 1,210,845 alleles (0.003%); highest among the groups gnomAD compares: African/African-American, 0.012%; no homozygotes.

Submission:

GeneDx
Classification: Uncertain significance. Last evaluated: 2023-04-05. Review status: criteria provided, single submitter. Criteria: GeneDx Variant Classification Process June 2021. Collection method: clinical testing. Allele origin: germline. Affected: yes.
Comment: In silico analysis supports that this missense variant does not alter protein structure/function; Has not been previously published as pathogenic or benign to our knowledge